The following is an entry in ClinVar:

NM_003560.4(PLA2G6):c.-45-13C>A

Gene: PLA2G6 (phospholipase A2 group VI; minus strand). Cytogenetic location: 22q13.1.
Variant type: single nucleotide variant.
Coding change: c.-45-13C>A on transcript NM_003560.4 (MANE Select); 13 bases into the intron before 45 bases upstream of the start codon, C replaced by A.
Molecular consequence: intron variant.
Genome position (GRCh38, 1-based): chr22:38,169,484, G>T on the plus strand (C>A on the coding strand, the complement: PLA2G6 is on the minus strand). VCF-style: chr22-38169484-G-T. GRCh37 (hg19) VCF-style: chr22-38565491-G-T.
Other names: c.-531-17C>A (NM_001349868.2); c.-41-17C>A (NM_001349866.2, NM_001349865.2, NM_001349864.2); c.-45-13C>A (NM_001199562.3, NM_001004426.3); c.-710-13C>A (NM_001349869.2, NM_001349867.2).
Identifiers: ClinVar variation 1320634 (VCV001320634.2), dbSNP rs979358081, ClinGen allele CA324187195.

ClinVar aggregate classification (germline): Uncertain significance (1 of 4 stars; one submission).

Allele frequency attached by ClinVar (database versions not stated): TOPMed 0.00001; gnomAD 0.00001.
gnomAD v4.1: 5 of 1,476,582 alleles (0.00034%); highest among the groups gnomAD compares: Admixed American, 0.0054%; no homozygotes.

Submission:

GeneDx
Classification: Uncertain significance. Last evaluated: 2021-10-14. Review status: criteria provided, single submitter. Criteria: GeneDx Variant Classification Process June 2021. Collection method: clinical testing. Allele origin: germline. Affected: yes.
Comment: Has not been previously published as pathogenic or benign to our knowledge; In-silico analysis, which includes splice predictors and evolutionary conservation, is inconclusive as to whether the variant alters gene splicing. In the absence of RNA/functional studies, the actual effect of this sequence change is unknown.